The following is an entry in ClinVar:

ClinVar aggregate classification (germline): Uncertain significance (1 of 4 stars; one submission).

Conditions:
Long QT syndrome (LQTS). Identifiers: MedGen C0023976, MeSH D008133, MONDO:0002442. Disease mechanism: loss of function. Inheritance: Various modes of inheritance.

Allele frequency attached by ClinVar (database versions not stated): gnomAD exomes below 0.00001 and 0.00001; ExAC 0.00001; gnomAD 0.00001.
gnomAD v4.1: 14 of 1,613,946 alleles (0.00087%); highest among the groups gnomAD compares: African/African-American, 0.0013%; no homozygotes.

Submission:

Labcorp Genetics (formerly Invitae), Labcorp
Classification: Uncertain significance for Long QT syndrome. Last evaluated: 2019-07-26. Review status: criteria provided, single submitter. Criteria: Invitae Variant Classification Sherloc (09022015). Collection method: clinical testing. Allele origin: germline.
Comment: This sequence change replaces serine with threonine at codon 2557 of the AKAP9 protein (p.Ser2557Thr). The serine residue is moderately conserved and there is a small physicochemical difference between serine and threonine. This variant is present in population databases (rs754006562, ExAC 0.002%). This variant has not been reported in the literature in individuals with AKAP9-related conditions. Algorithms developed to predict the effect of missense changes on protein structure and function are either unavailable or do not agree on the potential impact of this missense change (SIFT: "Tolerated"; PolyPhen-2: "Probably Damaging"; Align-GVGD: "Class C0"). In summary, the available evidence is currently insufficient to determine the role of this variant in disease. Therefore, it has been classified as a Variant of Uncertain Significance.

NM_005751.5(AKAP9):c.7670G>C (p.Ser2557Thr)

Gene: AKAP9 (A-kinase anchoring protein 9; plus strand). Cytogenetic location: 7q21.2.
Variant type: single nucleotide variant.
Coding change: c.7670G>C on transcript NM_005751.5 (MANE Select); coding-DNA position 7670, G replaced by C.
Protein change: p.Ser2557Thr; replaces serine 2557 with threonine.
Molecular consequence: missense variant.
Genome position (GRCh38, 1-based): chr7:92,079,803, G>C. VCF-style: chr7-92079803-G-C. GRCh37 (hg19) VCF-style: chr7-91709117-G-C.
Other names: c.2315G>C, p.Ser772Thr (NM_001379277.1); c.7646G>C, p.Ser2549Thr (NM_147185.3); short protein forms S2549T, S2557T, S772T.
Identifiers: ClinVar variation 962748 (VCV000962748.9), dbSNP rs754006562, ClinGen allele CA4337326.